The following is an entry in ClinVar:

NM_000051.4(ATM):c.69A>G (p.Arg23=)

Gene: ATM (ATM serine/threonine kinase; plus strand). Cytogenetic location: 11q22.3.
Variant type: single nucleotide variant.
Coding change: c.69A>G on transcript NM_000051.4 (MANE Select); coding-DNA position 69, A replaced by G.
Protein change: p.Arg23=; no amino-acid change (arginine 23 retained).
Molecular consequence: synonymous variant.
Genome position (GRCh38, 1-based): chr11:108,227,693, A>G. VCF-style: chr11-108227693-A-G. GRCh37 (hg19) VCF-style: chr11-108098420-A-G.
Other names: c.69A>G, p.Arg23= (NM_001351834.2, NM_001351835.2, NM_001351836.2).
Identifiers: ClinVar variation 231695 (VCV000231695.36), dbSNP rs876659304, ClinGen allele CA10578940.
Genomic context (GRCh38, chr11:108,227,693, plus strand): 5'-AGTACTTAATGATCTGCTTATCTGCTGCCGTCAACTAGAACATGATAGAGCTACAGAACG[A>G]AAGGTAGTAAATTACTTAAATTCAATTTTTCCTTGAAATAAGTGTGATTAGTAACCCATT-3'
Protein context (NP_000042.3, residues 13-33): RQLEHDRATE[Arg23=]KKEVEKFKRL

ClinVar aggregate classification (germline): Conflicting classifications of pathogenicity. Review status: criteria provided, conflicting classifications (1 of 4 stars). 7 submissions from 7 submitters: Uncertain significance (3); Benign (1); Likely benign (3). Last evaluated 2026-01-28.

Conditions:
Hereditary cancer-predisposing syndrome. Also called: Neoplastic Syndromes, Hereditary; Hereditary Cancer Syndrome; Tumor predisposition; Hereditary neoplastic syndrome. Identifiers: Orphanet 140162, MedGen C0027672, MeSH D009386, MONDO:0015356.
Familial cancer of breast. Also called: Hereditary breast cancer; hereditary breast carcinoma; BREAST CANCER, FAMILIAL. Identifiers: Orphanet 227535, MedGen C0346153, MONDO:0016419, OMIM 114480. Disease mechanism: loss of function.
Ataxia-telangiectasia syndrome (AT). Also called: Cerebello-oculocutaneous telangiectasia; Immunodeficiency with ataxia telangiectasia; Ataxia-telangiectasia, complementation group D; AT, COMPLEMENTATION GROUP C; Ataxia-telangiectasia, complementation group E; Ataxia-telangiectasia. Identifiers: Orphanet 100, MedGen C0004135, MONDO:0008840, OMIM 208900.

Allele frequency attached by ClinVar (database versions not stated): gnomAD 0.00001.
gnomAD v4.1: 1 of 1,613,418 alleles (0.000062%); highest among the groups gnomAD compares: Non-Finnish European, 0.000085%; no homozygotes.

Submissions (7):

Labcorp Genetics (formerly Invitae), Labcorp
Classification: Likely benign for Ataxia-telangiectasia syndrome. Last evaluated: 2026-01-28. Review status: criteria provided, single submitter. Criteria: Invitae Variant Classification Sherloc (09022015). Collection method: clinical testing. Allele origin: germline.

CeGaT Center for Human Genetics Tuebingen
Classification: Uncertain significance. Last evaluated: 2025-02-01. Review status: criteria provided, single submitter. Criteria: CeGaT Center For Human Genetics Tuebingen Variant Classification Criteria Version 2. Collection method: clinical testing. Allele origin: germline. Affected: yes. Observed: 1 variant allele.
Comment: ATM: PM2, BP4

Myriad Genetics, Inc.
Classification: Benign for Familial cancer of breast. Last evaluated: 2024-04-16. Review status: criteria provided, single submitter. Criteria: Myriad Autosomal Dominant, Autosomal Recessive and X-Linked Classification Criteria (2023). Collection method: clinical testing. Allele origin: unknown.
Comment: This variant is considered benign. This variant is a silent/synonymous amino acid change and it is not expected to impact splicing.

GeneDx
Classification: Uncertain significance. Last evaluated: 2023-03-28. Review status: criteria provided, single submitter. Criteria: GeneDx Variant Classification Process June 2021. Collection method: clinical testing. Allele origin: germline. Affected: yes.
Comment: Not observed at significant frequency in large population cohorts (gnomAD); In silico analysis supports that this variant does not alter splicing; Has not been previously published as pathogenic or benign to our knowledge; This variant is associated with the following publications: (PMID: 32055024)

Color Diagnostics, LLC DBA Color Health
Classification: Likely benign for Hereditary cancer-predisposing syndrome. Last evaluated: 2022-01-03. Review status: criteria provided, single submitter. Criteria: ACMG Guidelines, 2015. Collection method: clinical testing. Allele origin: germline.

Sema4
Classification: Uncertain significance for Hereditary cancer-predisposing syndrome. Last evaluated: 2021-09-17. Review status: criteria provided, single submitter. Criteria: Sema4 Curation Guidelines. Collection method: curation. Allele origin: germline.
Comment: The ATM c.69A>G (p.R23=) variant has not been reported in the literature to our knowledge. It was not observed in the large and broad cohorts of the Genome Aggregation Database (PMID: 32461654). The variant has been reported in ClinVar (Variation ID 231695). The variant involves weakly conserved nucleotide, and in silico tools suggest that it does not impact splicing, though these predictions have not been confirmed by functional studies. There is no indication that this variant causes disease, but the evidence is insufficient currently to prove that conclusively. Thus, the clinical significance of this variant is currently uncertain.

Ambry Genetics
Classification: Likely benign for Hereditary cancer-predisposing syndrome. Last evaluated: 2018-05-25. Review status: criteria provided, single submitter. Criteria: Ambry Variant Classification Scheme 2023. Collection method: clinical testing. Allele origin: germline.